The following is an entry in ClinVar:

NM_006393.3(NEBL):c.113G>T (p.Ser38Ile)

Gene: NEBL (nebulette; minus strand). Cytogenetic location: 10p12.31.
Variant type: single nucleotide variant.
Coding change: c.113G>T on transcript NM_006393.3 (MANE Select); coding-DNA position 113, G replaced by T.
Protein change: p.Ser38Ile; replaces serine 38 with isoleucine.
Molecular consequence: missense variant. On other transcripts: intron variant (9).
Genome position (GRCh38, 1-based): chr10:20,896,998, C>A on the plus strand (G>T on the coding strand, the complement: NEBL is on the minus strand). VCF-style: chr10-20896998-C-A. GRCh37 (hg19) VCF-style: chr10-21185927-C-A.
Other names: c.249+64674G>T (NM_001377326.1, NM_001377327.1, NM_001377328.1); c.357+64674G>T (NM_213569.2, NM_001173484.2, NM_001377322.1); c.300+64674G>T (NM_001377324.1); c.291+64674G>T (NM_001377325.1); c.309+64674G>T (NM_001377323.1); short protein forms S38I.
Identifiers: ClinVar variation 667288 (VCV000667288.10), dbSNP rs375265257, ClinGen allele CA5433375.

ClinVar aggregate classification (germline): Uncertain significance. Review status: criteria provided, multiple submitters, no conflicts (2 of 4 stars). 2 submissions from 2 submitters: Uncertain significance (2). Last evaluated 2025-02-23.

Conditions:
Primary dilated cardiomyopathy (DCM). Also called: Dilated Cardiomyopathy. Identifiers: Orphanet 217604, MedGen C0007193, MeSH D002311, MONDO:0005021, HP:0001644. Inheritance: Various modes of inheritance.

Allele frequency attached by ClinVar (database versions not stated): gnomAD 0.00003; TOPMed 0.00003; ESP Exome Variant Server 0.00008.
gnomAD v4.1: 15 of 1,613,822 alleles (0.00093%); highest among the groups gnomAD compares: African/African-American, 0.015%; no homozygotes.

Submissions (2):

Labcorp Genetics (formerly Invitae), Labcorp
Classification: Uncertain significance for Primary dilated cardiomyopathy. Last evaluated: 2025-02-23. Review status: criteria provided, single submitter. Criteria: Invitae Variant Classification Sherloc (09022015). Collection method: clinical testing. Allele origin: germline.
Comment: This sequence change replaces serine, which is neutral and polar, with isoleucine, which is neutral and non-polar, at codon 38 of the NEBL protein (p.Ser38Ile). This variant is present in population databases (rs375265257, gnomAD 0.008%). This variant has not been reported in the literature in individuals affected with NEBL-related conditions. ClinVar contains an entry for this variant (Variation ID: 667288). An algorithm developed to predict the effect of missense changes on protein structure and function (PolyPhen-2) suggests that this variant is likely to be disruptive. In summary, the available evidence is currently insufficient to determine the role of this variant in disease. Therefore, it has been classified as a Variant of Uncertain Significance.

Laboratory for Molecular Medicine, Mass General Brigham Personalized Medicine
Classification: Uncertain significance. Last evaluated: 2018-07-31. Review status: criteria provided, single submitter. Criteria: LMM Criteria. Collection method: clinical testing. Allele origin: germline. Observed: 1 variant allele.
Comment: The p.Ser38Ile variant in NEBL has not been previously reported in individuals w ith cardiomyopathy, but has been identified in 2/24034 African chromosomes by th e Genome Aggregation Database (gnomAD). Compu tational prediction tools and conservation analysis suggest that the p.Ser38Ile variant may not impact the protein, though this information is not predictive en ough to rule out pathogenicity. In summary, the clinical significance of the p.S er38Ile variant is uncertain. ACMG/AMP Criteria applied: BP4.